The following is an entry in ClinVar:

ClinVar aggregate classification (germline): Likely benign. Review status: criteria provided, multiple submitters, no conflicts (2 of 4 stars). 2 submissions from 2 submitters: Likely benign (2). Last evaluated 2026-02-04.

Conditions:
DIAPH1-related disorder. Also called: DIAPH1-related condition.
Autosomal dominant nonsyndromic hearing loss 1. Also called: KONIGSMARK SYNDROME; DEAFNESS, AUTOSOMAL DOMINANT 1, WITH OR WITHOUT THROMBOCYTOPENIA. Identifiers: Orphanet 90635, MedGen C1852282, MONDO:0007424, OMIM 124900.
Progressive microcephaly-seizures-cortical blindness-developmental delay syndrome. Also called: Seizures, cortical blindness, and microcephaly syndrome. Identifiers: Orphanet 477814, MedGen C5567650, MONDO:0014714, OMIM 616632.

Allele frequency attached by ClinVar (database versions not stated): gnomAD exomes 0.00004 and 0.00007; ExAC 0.00008; gnomAD 0.00012 and 0.00013; TOPMed 0.00012; 1000 Genomes Project 30x 0.00016; ESP Exome Variant Server 0.00040.

Submissions (2):

PreventionGenetics, part of Exact Sciences
Classification: Likely benign for DIAPH1-related condition. Last evaluated: 2026-02-04. Review status: criteria provided, single submitter. Criteria: ACMG Guidelines, 2015. Collection method: clinical testing. Allele origin: germline.
Comment: This variant is classified as likely benign based on ACMG/AMP sequence variant interpretation guidelines (Richards et al. 2015 PMID: 25741868, with internal and published modifications).

Labcorp Genetics (formerly Invitae), Labcorp
Classification: Likely benign for Progressive microcephaly-seizures-cortical blindness-developmental delay syndrome; Autosomal dominant nonsyndromic hearing loss 1. Last evaluated: 2026-01-06. Review status: criteria provided, single submitter. Criteria: Invitae Variant Classification Sherloc (09022015). Collection method: clinical testing. Allele origin: germline.

NM_005219.5(DIAPH1):c.1701G>A (p.Ala567=)

Gene: DIAPH1 (diaphanous related formin 1; minus strand). Cytogenetic location: 5q31.3.
Variant type: single nucleotide variant.
Coding change: c.1701G>A on transcript NM_005219.5 (MANE Select); coding-DNA position 1701, G replaced by A.
Protein change: p.Ala567=; no amino-acid change (alanine 567 retained).
Molecular consequence: synonymous variant.
Genome position (GRCh38, 1-based): chr5:141,574,149, C>T on the plus strand (G>A on the coding strand, the complement: DIAPH1 is on the minus strand). VCF-style: chr5-141574149-C-T. GRCh37 (hg19) VCF-style: chr5-140953716-C-T.
Other names: c.1701G>A (NM_005219.4); c.1674G>A, p.Ala558= (NM_001079812.3); c.1701G>A, p.Ala567= (NM_001314007.2).
Identifiers: ClinVar variation 1112467 (VCV001112467.10), dbSNP rs371791763, ClinGen allele CA3479229.
Genomic context (GRCh38, chr5:141,574,149, plus strand): 5'-AGGAGGGGCAGGGGGAACAGGAGCACGACTAGGAACAGAAGGAGGTACAGTAATAGCTGC[C>T]GCAGAGAGGGAAGCCATTTCTTTCTTGGCATCTTCCAGTTCCTTTGTCAGCTTGGCAACC-3'
Protein context (NP_005210.3, residues 557-577): DAKKEMASLS[Ala567=]AAITVPPSVP